The following is an entry in ClinVar:

NM_001042492.3(NF1):c.4245T>A (p.Asn1415Lys)

Gene: NF1 (neurofibromin 1; plus strand). Cytogenetic location: 17q11.2.
Variant type: single nucleotide variant.
Coding change: c.4245T>A on transcript NM_001042492.3 (MANE Select); coding-DNA position 4245, T replaced by A.
Protein change: p.Asn1415Lys; replaces asparagine 1415 with lysine.
Molecular consequence: missense variant.
Genome position (GRCh38, 1-based): chr17:31,258,415, T>A. VCF-style: chr17-31258415-T-A. GRCh37 (hg19) VCF-style: chr17-29585433-T-A.
Other names: c.4182T>A, p.Asn1394Lys (NM_000267.4); short protein forms N1394K, N1415K.
Identifiers: ClinVar variation 566848 (VCV000566848.7), dbSNP rs760949880, ClinGen allele CA398997878.
Genomic context (GRCh38, chr17:31,258,415, plus strand): 5'-GCGTTTCCCTCAGAACAGCATCGGTGCAGTAGGAAGTGCCATGTTCCTCAGATTTATCAA[T>A]CCTGCCATTGTCTCACCGTATGAAGCAGGGATTTTAGATAAAAAGCCACCACCTAGAATC-3'
Protein context (NP_001035957.1, residues 1405-1425): VGSAMFLRFI[Asn1415Lys]PAIVSPYEAG

ClinVar aggregate classification (germline): Pathogenic (1 of 4 stars; one submission).

Conditions:
Neurofibromatosis, type 1 (NF1). Also called: VON RECKLINGHAUSEN DISEASE; NEUROFIBROMATOSIS, TYPE I, SOMATIC; Peripheral type neurofibromatosis; Neurofibromatosis, type I. Identifiers: Orphanet 636, MedGen C0027831, MONDO:0018975, OMIM 162200. Disease mechanism: loss of function.

Allele frequency attached by ClinVar (database versions not stated): gnomAD exomes below 0.00001.
gnomAD v4.1: 1 of 1,613,600 alleles (0.000062%); highest among the groups gnomAD compares: South Asian, 0.0011%; no homozygotes.

Submission:

Labcorp Genetics (formerly Invitae), Labcorp
Classification: Pathogenic for Neurofibromatosis, type 1. Last evaluated: 2025-06-04. Review status: criteria provided, single submitter. Criteria: Invitae Variant Classification Sherloc (09022015). Collection method: clinical testing. Allele origin: germline.
Comment: This sequence change replaces asparagine, which is neutral and polar, with lysine, which is basic and polar, at codon 1394 of the NF1 protein (p.Asn1394Lys). This variant is not present in population databases (gnomAD no frequency). This missense change has been observed in individual(s) with clinical features of neurofibromatosis type 1 (internal data). In at least one individual the variant was observed to be de novo. ClinVar contains an entry for this variant (Variation ID: 566848). Invitae Evidence Modeling of protein sequence and biophysical properties (such as structural, functional, and spatial information, amino acid conservation, physicochemical variation, residue mobility, and thermodynamic stability) indicates that this missense variant is expected to disrupt NF1 protein function with a positive predictive value of 80%. This variant disrupts the p.Asn1394 amino acid residue in NF1. Other variant(s) that disrupt this residue have been determined to be pathogenic (PMID: 31717729; internal data). This suggests that this residue is clinically significant, and that variants that disrupt this residue are likely to be disease-causing. For these reasons, this variant has been classified as Pathogenic.

Literature cited by the submitters: PubMed 31717729.